The following is an entry in ClinVar:

NM_024513.4(FYCO1):c.*2695A>T

Gene: FYCO1 (FYVE and coiled-coil domain autophagy adaptor 1; minus strand). Cytogenetic location: 3p21.31.
Variant type: single nucleotide variant.
Coding change: c.*2695A>T on transcript NM_024513.4 (MANE Select); 2695 bases downstream of the stop codon, A replaced by T.
Molecular consequence: 3 prime UTR variant.
Genome position (GRCh38, 1-based): chr3:45,919,070, T>A on the plus strand (A>T on the coding strand, the complement: FYCO1 is on the minus strand). VCF-style: chr3-45919070-T-A. GRCh37 (hg19) VCF-style: chr3-45960562-T-A.
Other names: NC_000003.11:g.45960562T>A.
Identifiers: ClinVar variation 345454 (VCV000345454.7), dbSNP rs61519998, ClinGen allele CA10618911.

ClinVar aggregate classification (germline): Benign. Review status: criteria provided, multiple submitters, no conflicts (2 of 4 stars). 2 submissions from 2 submitters: Benign (2). Last evaluated 2018-01-13.

Conditions:
Cataract 18 (CATC2). Also called: CATARACT 18, AUTOSOMAL RECESSIVE. Identifiers: Orphanet 91492, Orphanet 98991, Orphanet 98992, Orphanet 98995, MedGen C1864908, MONDO:0012395, OMIM 610019.

Allele frequency attached by ClinVar (database versions not stated): 1000 Genomes Project 0.25539; gnomAD 0.28012 and 0.28502; TOPMed 0.29420.

Submissions (6):

Illumina Laboratory Services, Illumina
Classification: Benign for Cataract 18. Last evaluated: 2018-01-13. Review status: criteria provided, single submitter. Criteria: ICSL Variant Classification Criteria 13 December 2019. Collection method: clinical testing. Allele origin: germline.
Comment: This variant was observed in the ICSL laboratory as part of a predisposition screen in an ostensibly healthy population. It had not been previously curated by ICSL or reported in the Human Gene Mutation Database (HGMD: prior to June 1st, 2018), and was therefore a candidate for classification through an automated scoring system. Utilizing variant allele frequency, disease prevalence and penetrance estimates, and inheritance mode, an automated score was calculated to assess if this variant is too frequent to cause the disease. Based on the score and internal cut-off values, a variant classified as benign is not then subjected to further curation. The score for this variant resulted in a classification of benign for this disease.

Breakthrough Genomics
Classification: Benign. Review status: criteria provided, single submitter. Criteria: ACMG Guidelines, 2015. Collection method: not provided. Allele origin: germline. Inheritance: Autosomal recessive inheritance. Affected: yes.

Dr. Peter K. Rogan Lab, Western University
No classification provided (evidence only). Condition: Ovarian serous cystadenocarcinoma. Review status: no classification provided. Collection method: in vitro. Allele origin: not applicable. Functional consequence: retained intron. Not counted in ClinVar's aggregate classification.

Dr. Peter K. Rogan Lab, Western University
No classification provided (evidence only). Condition: Ovarian serous cystadenocarcinoma. Review status: no classification provided. Collection method: in vitro. Allele origin: not applicable. Functional consequence: retained intron. Not counted in ClinVar's aggregate classification.

Dr. Peter K. Rogan Lab, Western University
No classification provided (evidence only). Condition: Ovarian serous cystadenocarcinoma. Review status: no classification provided. Collection method: in vitro. Allele origin: not applicable. Functional consequence: retained intron. Not counted in ClinVar's aggregate classification.

Dr. Peter K. Rogan Lab, Western University
No classification provided (evidence only). Condition: Uterine carcinosarcoma. Review status: no classification provided. Collection method: in vitro. Allele origin: not applicable. Functional consequence: retained intron. Not counted in ClinVar's aggregate classification.